The following is an entry in ClinVar:

ClinVar aggregate classification (germline): Uncertain significance (1 of 4 stars; one submission).

Conditions:
Severe combined immunodeficiency due to DNA-PKcs deficiency. Also called: IMMUNODEFICIENCY 26 WITH NEUROLOGIC ABNORMALITIES; Immunodeficiency 26 with or without neurologic abnormalities. Identifiers: Orphanet 317425, MedGen C4014833, MONDO:0014423, OMIM 615966.

Submission:

Labcorp Genetics (formerly Invitae), Labcorp
Classification: Uncertain significance for Severe combined immunodeficiency due to DNA-PKcs deficiency. Last evaluated: 2022-11-01. Review status: criteria provided, single submitter. Criteria: Invitae Variant Classification Sherloc (09022015). Collection method: clinical testing. Allele origin: germline.
Comment: This sequence change replaces serine, which is neutral and polar, with cysteine, which is neutral and slightly polar, at codon 694 of the PRKDC protein (p.Ser694Cys). In summary, the available evidence is currently insufficient to determine the role of this variant in disease. Therefore, it has been classified as a Variant of Uncertain Significance. Advanced modeling of protein sequence and biophysical properties (such as structural, functional, and spatial information, amino acid conservation, physicochemical variation, residue mobility, and thermodynamic stability) performed at Invitae indicates that this missense variant is not expected to disrupt PRKDC protein function. This variant has not been reported in the literature in individuals affected with PRKDC-related conditions. This variant is not present in population databases (gnomAD no frequency).

NM_006904.7(PRKDC):c.2081C>G (p.Ser694Cys)

Gene: PRKDC (protein kinase, DNA-activated, catalytic subunit; minus strand). Cytogenetic location: 8q11.21.
Variant type: single nucleotide variant.
Coding change: c.2081C>G on transcript NM_006904.7 (MANE Select); coding-DNA position 2081, C replaced by G.
Protein change: p.Ser694Cys; replaces serine 694 with cysteine.
Molecular consequence: missense variant.
Genome position (GRCh38, 1-based): chr8:47,929,150, G>C on the plus strand (C>G on the coding strand, the complement: PRKDC is on the minus strand). VCF-style: chr8-47929150-G-C. GRCh37 (hg19) VCF-style: chr8-48841710-G-C.
Other names: c.2081C>G, p.Ser694Cys (NM_001081640.2); short protein forms S694C.
Identifiers: ClinVar variation 2106028 (VCV002106028.4), dbSNP rs2090207455, ClinGen allele CA371163873.